The following is an entry in ClinVar:

ClinVar aggregate classification (germline): Benign/Likely benign. Review status: criteria provided, multiple submitters, no conflicts (2 of 4 stars). 6 submissions from 6 submitters: Benign (5); Likely benign (1). Last evaluated 2026-06-12.

Conditions:
Androgen resistance syndrome (AIS). Also called: ANDROGEN RECEPTOR DEFICIENCY; DIHYDROTESTOSTERONE RECEPTOR DEFICIENCY; TESTICULAR FEMINIZATION SYNDROME; Androgen insensitivity syndrome due to coactivator deficiency; Androgen insensitivity syndrome; Androgen insensitivity, complete. Identifiers: Orphanet 754, Orphanet 99429, MedGen C0039585, MONDO:0019154, OMIM 300068. Disease mechanism: loss of function.
Kennedy disease (SMAX1). Also called: SPINAL AND BULBAR MUSCULAR ATROPHY, X-LINKED 1; KENNEDY SPINAL AND BULBAR MUSCULAR ATROPHY; Spinal and Bulbar Muscular Atrophy. Identifiers: Orphanet 481, MedGen C1839259, MONDO:0010735, OMIM 313200.
Partial androgen insensitivity syndrome (PAIS). Also called: Partial Androgen Insensitivity Syndrome (PAIS); ANDROGEN INSENSITIVITY, PARTIAL, WITH OR WITHOUT BREAST CANCER; Reifenstein syndrome; Gynecomastia, familial; Pseudohermaphroditism, Incomplete male, type I; Reifenstein syndrome, partial. Identifiers: Orphanet 90797, MedGen C0268301, MONDO:0010720, OMIM 312300.

Submissions (6):

Women's Health and Genetics/Laboratory Corporation of America, LabCorp
Classification: Benign. Last evaluated: 2026-06-12. Review status: criteria provided, single submitter. Criteria: LabCorp Variant Classification Summary - May 2015. Collection method: clinical testing. Allele origin: germline.
Comment: Variant summary: AR c.1418_1420dupGCG (p.Gly473dup) results in an in-frame duplication that is predicted to duplicate one amino acid into the encoded protein. The variant allele was found at a frequency of 0.22 in 11248 control chromosomes in the gnomAD database, including 369 homozygotes. The observed variant frequency exceeds the estimated maximal expected allele frequency for disease-causing variants in AR. ClinVar contains an entry for this variant (Variation ID: 464786). Based on the evidence outlined above, the variant was classified as benign.

Labcorp Genetics (formerly Invitae), Labcorp
Classification: Benign for Kennedy disease; Androgen resistance syndrome. Last evaluated: 2026-01-15. Review status: criteria provided, single submitter. Criteria: Invitae Variant Classification Sherloc (09022015). Collection method: clinical testing. Allele origin: germline.

Laboratory of Genetics, Children's Clinical University Hospital Latvia
Classification: Benign. Last evaluated: 2025-02-16. Review status: criteria provided, single submitter. Criteria: ACMG Guidelines, 2015. Collection method: clinical testing. Allele origin: germline. Affected: yes.

Blueprint Genetics
Classification: Likely benign. Last evaluated: 2024-11-28. Review status: criteria provided, single submitter. Criteria: ACMG Guidelines, 2015. Collection method: clinical testing. Allele origin: germline.

Molecular Genetics, Royal Melbourne Hospital
Classification: Benign for Partial androgen insensitivity syndrome. Last evaluated: 2023-05-04. Review status: criteria provided, single submitter. Criteria: ACMG Guidelines, 2015. Collection method: clinical testing. Allele origin: germline. Affected: yes.
Comment: African/African American population allele frequency is 24.38% (rs760580125, 767/2,962 alleles, 117 homozygotes, 127 hemizygotes in gnomAD v2.1). Based on the classification scheme RMH Modified ACMG/AMP Guidelines v1.3.2, this variant is classified as BENIGN. Following criteria are met: BA1

GeneDx
Classification: Benign. Last evaluated: 2019-09-13. Review status: criteria provided, single submitter. Criteria: GeneDx Variant Classification Process June 2021. Collection method: clinical testing. Allele origin: germline. Affected: yes.

NM_000044.6(AR):c.1370GCG[18] (p.Gly473dup)

Gene: AR (androgen receptor; plus strand). Cytogenetic location: Xq12.
Variant type: Microsatellite.
Coding change: c.1370GCG[18] on transcript NM_000044.6 (MANE Select); 18 copies in a row of the 3-base unit GCG starting at c.1370; the reference has 17 copies in a row; one copy, 3 bases duplicated.
Protein change: p.Gly473dup; duplicates glycine 473.
Molecular consequence: inframe insertion. On other transcripts: 5 prime UTR variant (1).
Genome position (GRCh38, 1-based): chrX:67,546,564-67,546,566, GCG duplicated; duplicating any 3 consecutive bases within chrX:67,546,515-67,546,566 gives the same sequence; the position shown is the placement nearest the transcript's 3' end. VCF-style (leftmost placement, unchanged base first): chrX-67546514-T-TGGC. GRCh37 (hg19) VCF-style: chrX-66766356-T-TGGC.
Other names: c.-414GCG[18] (NM_001011645.3); c.1370GCG[18], p.Gly473dup (NM_001348061.1, NM_001348063.1, NM_001348064.1); c.1418_1420dupGCG (NM_000044.6).
Identifiers: ClinVar variation 464786 (VCV000464786.16), dbSNP rs746853821, ClinGen allele CA330757172.